The following is an entry in ClinVar:

ClinVar aggregate classification (germline): Uncertain significance. Review status: criteria provided, multiple submitters, no conflicts (2 of 4 stars). 3 submissions from 3 submitters: Uncertain significance (3). Last evaluated 2026-02-01.

Conditions:
Inborn genetic diseases. Identifiers: MedGen C0950123, MeSH D030342.

Allele frequency attached by ClinVar (database versions not stated): gnomAD 0.00008 and 0.00011; TOPMed 0.00008; gnomAD exomes 0.00011 and 0.00014; ExAC 0.00014; 1000 Genomes Project 30x 0.00016; 1000 Genomes Project 0.00020.
gnomAD v4.1: 176 of 1,612,406 alleles (0.011%); highest among the groups gnomAD compares: South Asian, 0.047%; 1 homozygote.

Submissions (3):

CeGaT Center for Human Genetics Tuebingen
Classification: Uncertain significance. Last evaluated: 2026-02-01. Review status: criteria provided, single submitter. Criteria: CeGaT Center For Human Genetics Tuebingen Variant Classification Criteria Version 2. Collection method: clinical testing. Allele origin: germline. Affected: yes. Observed: 1 variant allele.

Labcorp Genetics (formerly Invitae), Labcorp
Classification: Uncertain significance. Last evaluated: 2025-09-27. Review status: criteria provided, single submitter. Criteria: Invitae Variant Classification Sherloc (09022015). Collection method: clinical testing. Allele origin: germline.
Comment: This sequence change replaces serine, which is neutral and polar, with asparagine, which is neutral and polar, at codon 498 of the FAR1 protein (p.Ser498Asn). This variant is present in population databases (rs546335115, gnomAD 0.06%). This variant has not been reported in the literature in individuals affected with FAR1-related conditions. ClinVar contains an entry for this variant (Variation ID: 1407457). An algorithm developed to predict the effect of missense changes on protein structure and function (PolyPhen-2) suggests that this variant is likely to be tolerated. In summary, the available evidence is currently insufficient to determine the role of this variant in disease. Therefore, it has been classified as a Variant of Uncertain Significance.

Ambry Genetics
Classification: Uncertain significance for Inborn genetic diseases. Last evaluated: 2023-07-05. Review status: criteria provided, single submitter. Criteria: Ambry Variant Classification Scheme 2023. Collection method: clinical testing. Allele origin: germline.

NM_032228.6(FAR1):c.1493G>A (p.Ser498Asn)

Gene: FAR1 (fatty acyl-CoA reductase 1; plus strand). Cytogenetic location: 11p15.3.
Variant type: single nucleotide variant.
Coding change: c.1493G>A on transcript NM_032228.6 (MANE Select); coding-DNA position 1493, G replaced by A.
Protein change: p.Ser498Asn; replaces serine 498 with asparagine.
Molecular consequence: missense variant.
Genome position (GRCh38, 1-based): chr11:13,728,719, G>A. VCF-style: chr11-13728719-G-A. GRCh37 (hg19) VCF-style: chr11-13750266-G-A.
Other names: c.1493G>A (NM_032228.5); short protein forms S498N.
Identifiers: ClinVar variation 1407457 (VCV001407457.11), dbSNP rs546335115, ClinGen allele CA5893564.